The following is an entry in ClinVar:

NM_030958.3(SLCO5A1):c.626C>A (p.Ala209Glu)

Gene: SLCO5A1 (solute carrier organic anion transporter family member 5A1; minus strand). Cytogenetic location: 8q13.3.
Variant type: single nucleotide variant.
Coding change: c.626C>A on transcript NM_030958.3 (MANE Select); coding-DNA position 626, C replaced by A.
Protein change: p.Ala209Glu; replaces alanine 209 with glutamic acid.
Molecular consequence: missense variant.
Genome position (GRCh38, 1-based): chr8:69,832,048, G>T on the plus strand (C>A on the coding strand, the complement: SLCO5A1 is on the minus strand). VCF-style: chr8-69832048-G-T. GRCh37 (hg19) VCF-style: chr8-70744283-G-T.
Other names: c.626C>A, p.Ala209Glu (NM_001146008.2, NM_001146009.1); short protein forms A209E.
Identifiers: ClinVar variation 1715339 (VCV001715339.5), dbSNP rs2487564995, ClinGen allele CA371269197.

ClinVar aggregate classification (germline): Uncertain significance (1 of 4 stars; one submission).

Allele frequency attached by ClinVar (database versions not stated): gnomAD exomes below 0.00001.
gnomAD v4.1: 1 of 1,612,262 alleles (0.000062%); no homozygotes.

Submission:

Labcorp Genetics (formerly Invitae), Labcorp
Classification: Uncertain significance. Last evaluated: 2022-11-01. Review status: criteria provided, single submitter. Criteria: Invitae Variant Classification Sherloc (09022015). Collection method: clinical testing. Allele origin: germline.
Comment: This variant has not been reported in the literature in individuals affected with SLCO5A1-related conditions. This variant is not present in population databases (gnomAD no frequency). This sequence change replaces alanine, which is neutral and non-polar, with glutamic acid, which is acidic and polar, at codon 209 of the SLCO5A1 protein (p.Ala209Glu). In summary, the available evidence is currently insufficient to determine the role of this variant in disease. Therefore, it has been classified as a Variant of Uncertain Significance. Algorithms developed to predict the effect of missense changes on protein structure and function are either unavailable or do not agree on the potential impact of this missense change (SIFT: "Deleterious"; PolyPhen-2: "Probably Damaging"; Align-GVGD: "Class C0").